The following is an entry in ClinVar:

NM_014339.7(IL17RA):c.*2066G>C

Gene: IL17RA (interleukin 17 receptor A; plus strand). Cytogenetic location: 22q11.1.
Variant type: single nucleotide variant.
Coding change: c.*2066G>C on transcript NM_014339.7 (MANE Select); 2066 bases downstream of the stop codon, G replaced by C.
Molecular consequence: 3 prime UTR variant.
Genome position (GRCh38, 1-based): chr22:17,111,886, G>C. VCF-style: chr22-17111886-G-C. GRCh37 (hg19) VCF-style: chr22-17592776-G-C.
Other names: c.*2066G>C (NM_001289905.2).
Identifiers: ClinVar variation 340648 (VCV000340648.6), dbSNP rs375958748, ClinGen allele CA10653156.

ClinVar aggregate classification (germline): Benign. Review status: criteria provided, multiple submitters, no conflicts (2 of 4 stars). 2 submissions from 2 submitters: Benign (2). Last evaluated 2018-01-13.

Conditions:
Immunodeficiency 51 (IMD51). Also called: CANDIDIASIS, FAMILIAL, 5. Identifiers: Orphanet 1334, MedGen C4310803, MONDO:0013500, OMIM 613953.

Allele frequency attached by ClinVar (database versions not stated): gnomAD 0.00005 and 0.00186; TOPMed 0.00035; 1000 Genomes Project 30x 0.01093; 1000 Genomes Project 0.01178.

Submissions (2):

Illumina Laboratory Services, Illumina
Classification: Benign for Immunodeficiency 51. Last evaluated: 2018-01-13. Review status: criteria provided, single submitter. Criteria: ICSL Variant Classification Criteria 13 December 2019. Collection method: clinical testing. Allele origin: germline.
Comment: This variant was observed in the ICSL laboratory as part of a predisposition screen in an ostensibly healthy population. It had not been previously curated by ICSL or reported in the Human Gene Mutation Database (HGMD: prior to June 1st, 2018), and was therefore a candidate for classification through an automated scoring system. Utilizing variant allele frequency, disease prevalence and penetrance estimates, and inheritance mode, an automated score was calculated to assess if this variant is too frequent to cause the disease. Based on the score and internal cut-off values, a variant classified as benign is not then subjected to further curation. The score for this variant resulted in a classification of benign for this disease.

Breakthrough Genomics
Classification: Benign. Review status: criteria provided, single submitter. Criteria: ACMG Guidelines, 2015. Collection method: not provided. Allele origin: germline. Inheritance: Autosomal recessive inheritance. Affected: yes.